The following is an entry in ClinVar:

ClinVar aggregate classification (germline): Uncertain significance (1 of 4 stars; one submission).

Conditions:
BBS1-related disorder. Also called: BBS1-related condition.

Submission:

PreventionGenetics, part of Exact Sciences
Classification: Uncertain significance for BBS1-related condition. Last evaluated: 2025-08-04. Review status: criteria provided, single submitter. Criteria: ACMG Guidelines, 2015. Collection method: clinical testing. Allele origin: germline.
Comment: The BBS1 c.1555G>C variant is predicted to result in the amino acid substitution p.Val519Leu. To our knowledge, this variant has not been reported in the literature or in a large population database (gnomAD), indicating this variant is rare. At this time, the clinical significance of this variant is uncertain due to the absence of conclusive functional and genetic evidence.

NM_024649.5(BBS1):c.1555G>C (p.Val519Leu)

Genes: BBS1 (Bardet-Biedl syndrome 1; plus strand), ZDHHC24 (zDHHC palmitoyltransferase 24; minus strand). Cytogenetic location: 11q13.2.
Variant type: single nucleotide variant.
Coding change: c.1555G>C on transcript NM_024649.5 (MANE Select); coding-DNA position 1555, G replaced by C.
Protein change: p.Val519Leu; replaces valine 519 with leucine.
Molecular consequence: missense variant. On other transcripts: intron variant (1).
Genome position (GRCh38, 1-based): chr11:66,530,975, G>C. VCF-style: chr11-66530975-G-C. GRCh37 (hg19) VCF-style: chr11-66298446-G-C.
Other names: c.560-1487C>G (NM_001348571.2); short protein forms V519L.
Identifiers: ClinVar variation 5001043 (VCV005001043.1).